The following is an entry in ClinVar:

ClinVar aggregate classification (germline): Pathogenic (1 of 4 stars; one submission).

Conditions:
Lysinuric protein intolerance (LPI). Identifiers: Orphanet 470, MedGen C0268647, MONDO:0009109, OMIM 222700.

Submission:

Labcorp Genetics (formerly Invitae), Labcorp
Classification: Pathogenic for Lysinuric protein intolerance. Last evaluated: 2019-09-13. Review status: criteria provided, single submitter. Criteria: Invitae Variant Classification Sherloc (09022015). Collection method: clinical testing. Allele origin: germline.
Comment: This variant is a gross deletion of the genomic region encompassing exons 4-11 of the SLC7A7 gene. The 5' boundary is likely confined to intron 3. The 3' end of this event is unknown as it extends through the termination codon beyond the assayed region for this gene and may encompass additional genes. While this deletion is not anticipated to result in nonsense mediated decay, it is expected to create a truncated protein product or disrupt mRNA translation. This variant has been observed in an individual with lysinuric protein intolerance (PMID: 18716612). In the literature this variant is also described as c.500-4294_1908+1028del12136 (p.L168_N511delfsX19). This variant disrupts the C-terminus of the SLC7A7 protein. Other variant(s) that disrupt this region (p.Cys487Leufs*32, c.771-848_1908+718del4647) have been determined to be pathogenic (PMID: 10655553, 18716612, Invitae). This suggests that variants that disrupt this region of the protein are likely to be causative of disease. For these reasons, this variant has been classified as Pathogenic.

Literature cited by the submitters: PubMed 10655553; PubMed 18716612.

NC_000014.9:g.(?_22773590)_(22780071_?)del

Gene: SLC7A7 (solute carrier family 7 member 7; minus strand). Cytogenetic location: 14q11.2.
Variant type: Deletion.
Identifiers: ClinVar variation 832683 (VCV000832683.1).